The following is an entry in ClinVar:

NM_000540.3(RYR1):c.6469del (p.Glu2157fs)

Gene: RYR1 (ryanodine receptor 1; plus strand). Cytogenetic location: 19q13.2.
Variant type: Deletion.
Coding change: c.6469del on transcript NM_000540.3 (MANE Select); coding-DNA position 6469, one base deleted (G; older notation c.6469delG).
Protein change: p.Glu2157fs; shifts the reading frame from glutamic acid 2157.
Molecular consequence: frameshift variant.
Genome position (GRCh38, 1-based): chr19:38,494,546, G deleted. VCF-style (leftmost placement, unchanged base first): chr19-38494545-CG-C. GRCh37 (hg19) VCF-style: chr19-38985185-CG-C.
Other names: c.6469del, p.Glu2157fs (NM_001042723.2); short protein forms E2157fs.
Identifiers: ClinVar variation 2904997 (VCV002904997.7), dbSNP rs2514275843, ClinGen allele CA2584899144.

ClinVar aggregate classification (germline): Conflicting classifications of pathogenicity. Review status: criteria provided, conflicting classifications (1 of 4 stars). 4 submissions from 4 submitters: Pathogenic (1); Likely pathogenic (1); Uncertain significance (2). Last evaluated 2025-07-07.

Conditions:
Malignant hyperthermia, susceptibility to, 1 (MHS1). Also called: Malignant hyperthermia suceptibility 1; Anesthesia related hyperthermia; Malignant hyperpyrexia; Fulminating hyperpyrexia; Pharmacogenic myopathy; RYR1-Related Malignant Hyperthermia Susceptibility. Identifiers: Orphanet 423, MedGen C2930980, MONDO:0007783, OMIM 145600.
RYR1-related disorder. Also called: RYR1-related condition; RYR1-related disorders. Identifiers: MedGen CN239331.
Congenital multicore myopathy with external ophthalmoplegia (CMYO1B). Also called: Minicore myopathy with external ophthalmoplegia; Congenital myopathy 1B, autosomal recessive; Minicore myopathy; MULTIMINICORE DISEASE WITH EXTERNAL OPHTHALMOPLEGIA; MULTICORE MYOPATHY. Identifiers: Orphanet 598, Orphanet 98905, MedGen C1850674, MONDO:0009712, OMIM 255320, HP:0003789.

Allele frequency attached by ClinVar (database versions not stated): gnomAD exomes below 0.00001.

Submissions (4):

Color Diagnostics, LLC DBA Color Health
Classification: Uncertain significance for Malignant hyperthermia, susceptibility to, 1. Last evaluated: 2025-07-07. Review status: criteria provided, single submitter. Criteria: ACMG Guidelines, 2015. Collection method: clinical testing. Allele origin: germline.
Comment: This pathogenicity assessment is for autosomal dominant malignant hyperthermia susceptibility phenotype. This frameshift variant is predicted to result in an absent RYR1 protein product. Loss of RYR1 function due to haploinsufficiency is associated with congenital myopathy, but it is not an established disease mechanism for autosomal dominant malignant hyperthermia susceptibility. Therefore, this variant is classified as a Variant of Uncertain Significance for malignant hyperthermia susceptibility.

All of Us Research Program, National Institutes of Health
Classification: Uncertain significance for Malignant hyperthermia, susceptibility to, 1. Last evaluated: 2024-03-05. Review status: criteria provided, single submitter. Criteria: ACMG Guidelines, 2015. Collection method: clinical testing. Allele origin: germline. Inheritance: Autosomal dominant inheritance. Observed: 2 variant alleles, 2 heterozygotes.
Comment: This study involves interpretation of variants in research participants for the purpose of population health screening. Participant phenotype was not available at the time of variant classification. Additional details can be found in publication PMID: 35346344, PMCID: PMC8962531

Labcorp Genetics (formerly Invitae), Labcorp
Classification: Pathogenic for RYR1-related disorder. Last evaluated: 2022-12-29. Review status: criteria provided, single submitter. Criteria: Invitae Variant Classification Sherloc (09022015). Collection method: clinical testing. Allele origin: germline.
Comment: This sequence change creates a premature translational stop signal (p.Glu2157Serfs*22) in the RYR1 gene. It is expected to result in an absent or disrupted protein product. Loss-of-function variants in RYR1 are known to be pathogenic (PMID: 20583297, 20839240, 23919265, 28818389). This variant is not present in population databases (gnomAD no frequency). This variant has not been reported in the literature in individuals affected with RYR1-related conditions. For these reasons, this variant has been classified as Pathogenic.

Human Genome Sequencing Center Clinical Lab, Baylor College of Medicine
Classification: Likely pathogenic for Congenital myopathy 1B, autosomal recessive. Last evaluated: 2021-07-19. Review status: criteria provided, single submitter. Criteria: ACMG Guidelines, 2015. Collection method: clinical testing. Allele origin: unknown.

Literature cited by the submitters: PubMed 20583297 (cited by Labcorp Genetics (formerly Invitae), Labcorp); PubMed 20839240 (cited by Labcorp Genetics (formerly Invitae), Labcorp); PubMed 23919265 (cited by Labcorp Genetics (formerly Invitae), Labcorp); PubMed 28818389 (cited by Labcorp Genetics (formerly Invitae), Labcorp).